The following is an entry in ClinVar:

NM_015450.3(POT1):c.1685C>T (p.Ser562Phe)

Gene: POT1 (protection of telomeres 1; minus strand). Cytogenetic location: 7q31.33.
Variant type: single nucleotide variant.
Coding change: c.1685C>T on transcript NM_015450.3 (MANE Select); coding-DNA position 1685, C replaced by T.
Protein change: p.Ser562Phe; replaces serine 562 with phenylalanine.
Molecular consequence: missense variant. On other transcripts: non-coding transcript variant (3).
Genome position (GRCh38, 1-based): chr7:124,827,215, G>A on the plus strand (C>T on the coding strand, the complement: POT1 is on the minus strand). VCF-style: chr7-124827215-G-A. GRCh37 (hg19) VCF-style: chr7-124467269-G-A.
Other names: c.1292C>T, p.Ser431Phe (NM_001042594.2); short protein forms S562F, S431F.
Identifiers: ClinVar variation 475055 (VCV000475055.11), dbSNP rs1554415832, ClinGen allele CA369062806.

ClinVar aggregate classification (germline): Uncertain significance. Review status: criteria provided, multiple submitters, no conflicts (2 of 4 stars). 2 submissions from 2 submitters: Uncertain significance (2). Last evaluated 2025-03-16.

Conditions:
Tumor predisposition syndrome 3 (TPDS3). Also called: Glioma susceptibility 9; LONG TELOMERE SYNDROME, POT1-RELATED; POT1 Tumor Predisposition; Melanoma, cutaneous malignant, susceptibility to, 10. Identifiers: Orphanet 618, MedGen C4014476, MONDO:0014368, OMIM 615848.
Hereditary cancer-predisposing syndrome. Also called: Hereditary neoplastic syndrome; Hereditary Cancer Syndrome; Neoplastic Syndromes, Hereditary; Tumor predisposition. Identifiers: Orphanet 140162, MedGen C0027672, MeSH D009386, MONDO:0015356.

gnomAD v4.1: 1 of 1,486,450 alleles (0.000067%); highest among the groups gnomAD compares: South Asian, 0.0014%; no homozygotes.

Submissions (2):

Ambry Genetics
Classification: Uncertain significance for Hereditary cancer-predisposing syndrome. Last evaluated: 2025-03-16. Review status: criteria provided, single submitter. Criteria: Ambry Variant Classification Scheme 2023. Collection method: clinical testing. Allele origin: germline.
Comment: The p.S562F variant (also known as c.1685C>T), located in coding exon 13 of the POT1 gene, results from a C to T substitution at nucleotide position 1685. The serine at codon 562 is replaced by phenylalanine, an amino acid with highly dissimilar properties. This amino acid position is conserved. In addition, this alteration is predicted to be tolerated by in silico analysis. Based on the available evidence, the clinical significance of this variant remains unclear.

Labcorp Genetics (formerly Invitae), Labcorp
Classification: Uncertain significance for Tumor predisposition syndrome 3. Last evaluated: 2024-02-17. Review status: criteria provided, single submitter. Criteria: Invitae Variant Classification Sherloc (09022015). Collection method: clinical testing. Allele origin: germline.
Comment: This sequence change replaces serine, which is neutral and polar, with phenylalanine, which is neutral and non-polar, at codon 562 of the POT1 protein (p.Ser562Phe). This variant is not present in population databases (gnomAD no frequency). This variant has not been reported in the literature in individuals affected with POT1-related conditions. ClinVar contains an entry for this variant (Variation ID: 475055). An algorithm developed to predict the effect of missense changes on protein structure and function (PolyPhen-2) suggests that this variant is likely to be disruptive. In summary, the available evidence is currently insufficient to determine the role of this variant in disease. Therefore, it has been classified as a Variant of Uncertain Significance.